The following is an entry in ClinVar:

NM_005236.3(ERCC4):c.1501C>T (p.Pro501Ser)

Gene: ERCC4 (ERCC excision repair 4, endonuclease catalytic subunit; plus strand). Cytogenetic location: 16p13.12.
Variant type: single nucleotide variant.
Coding change: c.1501C>T on transcript NM_005236.3 (MANE Select); coding-DNA position 1501, C replaced by T.
Protein change: p.Pro501Ser; replaces proline 501 with serine.
Molecular consequence: missense variant.
Genome position (GRCh38, 1-based): chr16:13,935,433, C>T. VCF-style: chr16-13935433-C-T. GRCh37 (hg19) VCF-style: chr16-14029290-C-T.
Other names: short protein forms P501S.
Identifiers: ClinVar variation 4791923 (VCV004791923.1).
Genomic context (GRCh38, chr16:13,935,433, plus strand): 5'-AAAGAAAGAACCCTCAAAAAGAAAAAACGGAAGTTGACCTTAACTCAAATGGTAGGAAAA[C>T]CTGAAGAACTGGAAGAGGAAGGAGATGTCGAGGAAGGATATCGTCGAGAAATAAGCAGTA-3'
Protein context (NP_005227.1, residues 491-511): KLTLTQMVGK[Pro501Ser]EELEEEGDVE

ClinVar aggregate classification (germline): Uncertain significance (1 of 4 stars; one submission).

Conditions:
Xeroderma pigmentosum, group F (XPF). Also called: XERODERMA PIGMENTOSUM, COMPLEMENTATION GROUP F; XERODERMA PIGMENTOSUM VI; XP, GROUP F; ERCC4-Related Xeroderma Pigmentosum; XERODERMA PIGMENTOSUM, TYPE F; Xeroderma pigmentosum, type 6. Identifiers: MedGen C0268140, MONDO:0010215, OMIM 278760.
Fanconi anemia complementation group Q. Identifiers: Orphanet 84, MedGen C3808988, MONDO:0014108, OMIM 615272.
Cockayne syndrome. Identifiers: Orphanet 191, MedGen C0009207, MONDO:0016006.

gnomAD v4.1: 5 of 1,613,788 alleles (0.00031%); highest among the groups gnomAD compares: Non-Finnish European, 0.00042%; no homozygotes.

Submission:

Labcorp Genetics (formerly Invitae), Labcorp
Classification: Uncertain significance for Fanconi anemia complementation group Q; Xeroderma pigmentosum, group F; Cockayne syndrome. Last evaluated: 2025-05-23. Review status: criteria provided, single submitter. Criteria: Invitae Variant Classification Sherloc (09022015). Collection method: clinical testing. Allele origin: germline.
Comment: This sequence change replaces proline, which is neutral and non-polar, with serine, which is neutral and polar, at codon 501 of the ERCC4 protein (p.Pro501Ser). This variant is present in population databases (rs371114175, gnomAD 0.002%). This variant has not been reported in the literature in individuals affected with ERCC4-related conditions. Invitae Evidence Modeling of protein sequence and biophysical properties (such as structural, functional, and spatial information, amino acid conservation, physicochemical variation, residue mobility, and thermodynamic stability) indicates that this missense variant is not expected to disrupt ERCC4 protein function with a negative predictive value of 80%. In summary, the available evidence is currently insufficient to determine the role of this variant in disease. Therefore, it has been classified as a Variant of Uncertain Significance.